The following is an entry in ClinVar:

ClinVar aggregate classification (germline): Uncertain significance (1 of 4 stars; one submission).

Allele frequency attached by ClinVar (database versions not stated): gnomAD exomes below 0.00001.

Submission:

Women's Health and Genetics/Laboratory Corporation of America, LabCorp
Classification: Uncertain significance. Last evaluated: 2016-06-17. Review status: criteria provided, single submitter. Criteria: LabCorp Variant Classification Summary - May 2015. Collection method: clinical testing. Allele origin: germline.
Comment: Variant summary: The FBN1 c.7816G>A (p.Val2606Ile) variant involves the alteration of a conserved nucleotide. 3/4 in silico tools predict a benign outcome. This variant was absent in 121262 control chromosomes and has not, to our knowledge, been reported in affected individuals via publications and/or reputable databases/clinical diagnostic laboratories; nor evaluated for functional impact by in vivo/vitro studies. Because of the absence of clinical information and the lack of functional studies, the variant was classified as a variant of uncertain significance (VUS) until additional information becomes available.

NM_000138.5(FBN1):c.7816G>A (p.Val2606Ile)

Gene: FBN1 (fibrillin 1; minus strand). Cytogenetic location: 15q21.1.
Variant type: single nucleotide variant.
Coding change: c.7816G>A on transcript NM_000138.5 (MANE Select); coding-DNA position 7816, G replaced by A.
Protein change: p.Val2606Ile; replaces valine 2606 with isoleucine.
Molecular consequence: missense variant.
Genome position (GRCh38, 1-based): chr15:48,420,690, C>T on the plus strand (G>A on the coding strand, the complement: FBN1 is on the minus strand). VCF-style: chr15-48420690-C-T. GRCh37 (hg19) VCF-style: chr15-48712887-C-T.
Other names: short protein forms V2606I.
Identifiers: ClinVar variation 495652 (VCV000495652.1), dbSNP rs1172183618, ClinGen allele CA392324399.
Genomic context (GRCh38, chr15:48,420,690, plus strand): 5'-TTTTGCTTCATAGGACCTGATAGCCATGCATCTTGAGAGTGAGGAAAAGTTACTTGCCAA[C>T]ACACTGGTTCCACTGGTAGTGCTGGAGGTAGCCCTGGGGGCAGCTGCACCTGTAGCCCCC-3'
Protein context (NP_000129.3, residues 2596-2616): YLQHYQWNQC[Val2606Ile]DENECLSAHI